The following is an entry in ClinVar:

ClinVar aggregate classification (germline): Uncertain significance (1 of 4 stars; one submission).

Conditions:
Cardiovascular phenotype. Identifiers: MedGen CN230736.

Submission:

Ambry Genetics
Classification: Uncertain significance for Cardiovascular phenotype. Last evaluated: 2026-02-19. Review status: criteria provided, single submitter. Criteria: Ambry Variant Classification Scheme 2023. Collection method: clinical testing. Allele origin: germline.
Comment: The p.T93M variant (also known as c.278C>T), located in coding exon 1 of the FOXE3 gene, results from a C to T substitution at nucleotide position 278. The threonine at codon 93 is replaced by methionine, an amino acid with similar properties. This amino acid position is conserved. In addition, this alteration is predicted to be deleterious by in silico analysis. Based on the available evidence, the clinical significance of this variant remains unclear.

NM_012186.3(FOXE3):c.278C>T (p.Thr93Met)

Genes: LINC01389 (long intergenic non-protein coding RNA 1389; minus strand), FOXE3 (forkhead box E3; plus strand). Cytogenetic location: 1p33.
Variant type: single nucleotide variant.
Coding change: c.278C>T on transcript NM_012186.3 (MANE Select); coding-DNA position 278, C replaced by T.
Protein change: p.Thr93Met; replaces threonine 93 with methionine.
Molecular consequence: missense variant.
Genome position (GRCh38, 1-based): chr1:47,416,593, C>T. VCF-style: chr1-47416593-C-T. GRCh37 (hg19) VCF-style: chr1-47882265-C-T.
Other names: short protein forms T93M.
Identifiers: ClinVar variation 4844458 (VCV004844458.1).